The following is an entry in ClinVar:

NM_000264.5(PTCH1):c.3179T>C (p.Leu1060Pro)

Gene: PTCH1 (patched 1; minus strand). Cytogenetic location: 9q22.32.
Variant type: single nucleotide variant.
Coding change: c.3179T>C on transcript NM_000264.5 (MANE Select); coding-DNA position 3179, T replaced by C.
Protein change: p.Leu1060Pro; replaces leucine 1060 with proline.
Molecular consequence: missense variant. On other transcripts: non-coding transcript variant (1).
Genome position (GRCh38, 1-based): chr9:95,456,403, A>G on the plus strand (T>C on the coding strand, the complement: PTCH1 is on the minus strand). VCF-style: chr9-95456403-A-G. GRCh37 (hg19) VCF-style: chr9-98218685-A-G.
Other names: c.2981T>C, p.Leu994Pro (NM_001083602.3); c.3176T>C, p.Leu1059Pro (NM_001083603.3); c.2726T>C, p.Leu909Pro (NM_001083604.3, NM_001083605.3, NM_001083606.3 and 1 more transcripts); c.3023T>C, p.Leu1008Pro (NM_001354918.2); short protein forms L1060P, L909P, L994P, L1059P, L1008P.
Identifiers: ClinVar variation 3311167 (VCV003311167.1).

ClinVar aggregate classification (germline): Uncertain significance (1 of 4 stars; one submission).

Conditions:
Hereditary cancer-predisposing syndrome. Also called: Neoplastic Syndromes, Hereditary; Tumor predisposition; Hereditary neoplastic syndrome; Hereditary Cancer Syndrome. Identifiers: Orphanet 140162, MedGen C0027672, MeSH D009386, MONDO:0015356.

Submission:

Ambry Genetics
Classification: Uncertain significance for Hereditary cancer-predisposing syndrome. Last evaluated: 2024-04-22. Review status: criteria provided, single submitter. Criteria: Ambry Variant Classification Scheme 2023. Collection method: clinical testing. Allele origin: germline.
Comment: The p.L1060P variant (also known as c.3179T>C), located in coding exon 19 of the PTCH1 gene, results from a T to C substitution at nucleotide position 3179. The leucine at codon 1060 is replaced by proline, an amino acid with similar properties. This amino acid position is conserved. In addition, this alteration is predicted to be deleterious by in silico analysis. Based on the available evidence, the clinical significance of this variant remains unclear.